The following is an entry in ClinVar:

ClinVar aggregate classification (germline): Uncertain significance (1 of 4 stars; one submission).

Conditions:
Inborn genetic diseases. Identifiers: MedGen C0950123, MeSH D030342.

Submission:

Ambry Genetics
Classification: Uncertain significance for Inborn genetic diseases. Last evaluated: 2025-07-29. Review status: criteria provided, single submitter. Criteria: Ambry Variant Classification Scheme 2023. Collection method: clinical testing. Allele origin: germline.
Comment: The p.K234N variant (also known as c.702G>T), located in coding exon 3 of the MBD4 gene, results from a G to T substitution at nucleotide position 702. The lysine at codon 234 is replaced by asparagine, an amino acid with similar properties. This amino acid position is highly conserved in available vertebrate species. In addition, the in silico prediction for this alteration is inconclusive. Based on the available evidence, the clinical significance of this variant remains unclear.

NM_001276270.2(MBD4):c.702G>T (p.Lys234Asn)

Gene: MBD4 (methyl-CpG binding domain 4, DNA glycosylase; minus strand). Cytogenetic location: 3q21.3.
Variant type: single nucleotide variant.
Coding change: c.702G>T on transcript NM_001276270.2 (MANE Select); coding-DNA position 702, G replaced by T.
Protein change: p.Lys234Asn; replaces lysine 234 with asparagine.
Molecular consequence: missense variant. On other transcripts: intron variant (1).
Genome position (GRCh38, 1-based): chr3:129,436,942, C>A on the plus strand (G>T on the coding strand, the complement: MBD4 is on the minus strand). VCF-style: chr3-129436942-C-A. GRCh37 (hg19) VCF-style: chr3-129155785-C-A.
Other names: c.702G>T, p.Lys234Asn (NM_001276271.2, NM_001276272.2, NM_003925.3); c.247+866G>T (NM_001276273.2); short protein forms K234N.
Identifiers: ClinVar variation 4104619 (VCV004104619.1).